The following is an entry in ClinVar:

NM_001278.5(CHUK):c.626C>T (p.Thr209Ile)

Gene: CHUK (component of inhibitor of nuclear factor kappa B kinase complex; minus strand). Cytogenetic location: 10q24.31.
Variant type: single nucleotide variant.
Coding change: c.626C>T on transcript NM_001278.5 (MANE Select); coding-DNA position 626, C replaced by T.
Protein change: p.Thr209Ile; replaces threonine 209 with isoleucine.
Molecular consequence: missense variant.
Genome position (GRCh38, 1-based): chr10:100,219,071, G>A on the plus strand (C>T on the coding strand, the complement: CHUK is on the minus strand). VCF-style: chr10-100219071-G-A. GRCh37 (hg19) VCF-style: chr10-101978828-G-A.
Other names: c.626C>T, p.Thr209Ile (NM_001320928.2); short protein forms T209I.
Identifiers: ClinVar variation 2781684 (VCV002781684.3), dbSNP rs779308591, ClinGen allele CA378154719.

ClinVar aggregate classification (germline): Uncertain significance (1 of 4 stars; one submission).

Submission:

Labcorp Genetics (formerly Invitae), Labcorp
Classification: Uncertain significance. Last evaluated: 2023-11-19. Review status: criteria provided, single submitter. Criteria: Invitae Variant Classification Sherloc (09022015). Collection method: clinical testing. Allele origin: germline.
Comment: This sequence change replaces threonine, which is neutral and polar, with isoleucine, which is neutral and non-polar, at codon 209 of the CHUK protein (p.Thr209Ile). This variant is not present in population databases (gnomAD no frequency). This variant has not been reported in the literature in individuals affected with CHUK-related conditions. An algorithm developed to predict the effect of missense changes on protein structure and function (PolyPhen-2) suggests that this variant is likely to be disruptive. In summary, the available evidence is currently insufficient to determine the role of this variant in disease. Therefore, it has been classified as a Variant of Uncertain Significance.